The following is an entry in ClinVar:

ClinVar aggregate classification (germline): Benign. Review status: criteria provided, multiple submitters, no conflicts (2 of 4 stars). 3 submissions from 3 submitters: Benign (3). Last evaluated 2024-01-24.

Allele frequency attached by ClinVar (database versions not stated): gnomAD 0.96426 and 0.96570; TOPMed 0.98018; 1000 Genomes Project 0.98602; 1000 Genomes Project 30x 0.98657.
gnomAD v4.1: 850,945 of 883,704 alleles (96%); highest among the groups gnomAD compares: East Asian, 100%; 410,612 homozygotes.

Submissions (3):

Unidad de Genómica Garrahan, Hospital de Pediatría Garrahan
Classification: Benign. Last evaluated: 2024-01-24. Review status: criteria provided, single submitter. Criteria: ACMG Guidelines, 2015. Collection method: clinical testing. Allele origin: germline. Affected: no. Observed: 88 variant alleles.
Comment: This variant is classified as Benign based on local population frequency. This variant was detected in 93% of patients studied by a panel of primary immunodeficiencies. Number of patients: 88. Only high quality variants are reported.

GeneDx
Classification: Benign. Last evaluated: 2018-07-09. Review status: criteria provided, single submitter. Criteria: GeneDx Variant Classification Process June 2021. Collection method: clinical testing. Allele origin: germline. Affected: yes.

Breakthrough Genomics
Classification: Benign. Review status: criteria provided, single submitter. Criteria: ACMG Guidelines, 2015. Collection method: not provided. Allele origin: germline. Inheritance: Autosomal recessive inheritance. Affected: yes.

NM_058004.4(PI4KA):c.4773+98G>A

Gene: PI4KA (phosphatidylinositol 4-kinase alpha; minus strand). Cytogenetic location: 22q11.21.
Variant type: single nucleotide variant.
Coding change: c.4773+98G>A on transcript NM_058004.4 (MANE Select); 98 bases into the intron after coding-DNA position 4773, G replaced by A.
Molecular consequence: intron variant.
Genome position (GRCh38, 1-based): chr22:20,727,676, C>T on the plus strand (G>A on the coding strand, the complement: PI4KA is on the minus strand). VCF-style: chr22-20727676-C-T. GRCh37 (hg19) VCF-style: chr22-21081964-C-T.
Other names: c.4707+98G>A (NM_001362863.2); c.4680+98G>A (NM_001362862.2).
Identifiers: ClinVar variation 1241184 (VCV001241184.5), dbSNP rs4820583, ClinGen allele CA322250215.